The following is an entry in ClinVar:

ClinVar aggregate classification (germline): Uncertain significance (1 of 4 stars; one submission).

Allele frequency attached by ClinVar (database versions not stated): gnomAD 0.00001 and 0.00002; TOPMed 0.00002; gnomAD exomes 0.00003.
gnomAD v4.1: 44 of 1,557,272 alleles (0.0028%); highest among the groups gnomAD compares: East Asian, 0.0048%; no homozygotes.

Submission:

Labcorp Genetics (formerly Invitae), Labcorp
Classification: Uncertain significance. Last evaluated: 2024-01-02. Review status: criteria provided, single submitter. Criteria: Invitae Variant Classification Sherloc (09022015). Collection method: clinical testing. Allele origin: germline.
Comment: This sequence change replaces proline, which is neutral and non-polar, with leucine, which is neutral and non-polar, at codon 1446 of the KIAA1549 protein (p.Pro1446Leu). This variant is present in population databases (rs767585578, gnomAD 0.04%). This variant has not been reported in the literature in individuals affected with KIAA1549-related conditions. ClinVar contains an entry for this variant (Variation ID: 1413477). Algorithms developed to predict the effect of missense changes on protein structure and function output the following: SIFT: "Not Available"; PolyPhen-2: "Benign"; Align-GVGD: "Not Available". The leucine amino acid residue is found in multiple mammalian species, which suggests that this missense change does not adversely affect protein function. In summary, the available evidence is currently insufficient to determine the role of this variant in disease. Therefore, it has been classified as a Variant of Uncertain Significance.

NM_001164665.2(KIAA1549):c.4337C>T (p.Pro1446Leu)

Gene: KIAA1549 (KIAA1549; minus strand). Cytogenetic location: 7q34.
Variant type: single nucleotide variant.
Coding change: c.4337C>T on transcript NM_001164665.2 (MANE Select); coding-DNA position 4337, C replaced by T.
Protein change: p.Pro1446Leu; replaces proline 1446 with leucine.
Molecular consequence: missense variant.
Genome position (GRCh38, 1-based): chr7:138,879,546, G>A on the plus strand (C>T on the coding strand, the complement: KIAA1549 is on the minus strand). VCF-style: chr7-138879546-G-A. GRCh37 (hg19) VCF-style: chr7-138564292-G-A.
Other names: c.4337C>T, p.Pro1446Leu (NM_020910.3); short protein forms P1446L.
Identifiers: ClinVar variation 1413477 (VCV001413477.4), dbSNP rs767585578, ClinGen allele CA4505940.